The following is an entry in ClinVar:

NM_000051.4(ATM):c.8674G>A (p.Val2892Ile)

Genes: ATM (ATM serine/threonine kinase; plus strand), C11orf65 (chromosome 11 open reading frame 65; minus strand). Cytogenetic location: 11q22.3.
Variant type: single nucleotide variant.
Coding change: c.8674G>A on transcript NM_000051.4 (MANE Select); coding-DNA position 8674, G replaced by A.
Protein change: p.Val2892Ile; replaces valine 2892 with isoleucine.
Molecular consequence: missense variant. On other transcripts: intron variant (2).
Genome position (GRCh38, 1-based): chr11:108,353,768, G>A. VCF-style: chr11-108353768-G-A. GRCh37 (hg19) VCF-style: chr11-108224495-G-A.
Other names: c.8674G>A, p.Val2892Ile (NM_001351834.2); c.640+32152C>T (NM_001330368.2); c.695-18476C>T (NM_001351110.2); short protein forms V2892I.
Identifiers: ClinVar variation 418776 (VCV000418776.4), dbSNP rs1064793425, ClinGen allele CA16619266.

ClinVar aggregate classification (germline): Uncertain significance (1 of 4 stars; one submission).

Submission:

GeneDx
Classification: Uncertain significance. Last evaluated: 2015-04-03. Review status: criteria provided, single submitter. Criteria: GeneDx Variant Classification (06012015). Collection method: clinical testing. Allele origin: germline. Affected: yes.
Comment: This variant is denoted ATM c.8674G>A at the cDNA level, p.Val2892Ile (V2892I) at the protein level, and results in the change of a Valine to an Isoleucine (GTT>ATT). This variant has not, to our knowledge, been published in the literature as pathogenic or benign. ATM Val2892Ile was not observed in approximately 6,500 individuals of European and African American ancestry in the NHLBI Exome Sequencing Project, indicating it is not a common benign variant in these populations. Since Valine and Isoleucine share similar properties, this is considered a conservative amino acid substitution. ATM Val2892Ile occurs at a position that is conserved across species and is located in within the PI3K/PI4K kinase domain (Tavtigian 2009, UniProt). In silico analyses are inconsistent regarding the effect this variant may have on protein structure and function. Based on currently available information, it is unclear whether ATM Val2892Ile is pathogenic or benign. We consider it to be a variant of uncertain significance.